The following is an entry in ClinVar:

ClinVar aggregate classification (germline): Conflicting classifications of pathogenicity. Review status: criteria provided, conflicting classifications (1 of 4 stars). 3 submissions from 3 submitters: Uncertain significance (2); Likely benign (1). Last evaluated 2025-12-09.

Conditions:
Transcobalamin II deficiency (TCN2D). Also called: TC II DEFICIENCY; TCN2 DEFICIENCY; Transcolabamin II deficiency. Identifiers: Orphanet 859, MedGen C0342701, MONDO:0010149, OMIM 275350.
Inborn genetic diseases. Identifiers: MedGen C0950123, MeSH D030342.

Allele frequency attached by ClinVar (database versions not stated): ExAC 0.00003; gnomAD 0.00003; TOPMed 0.00003; gnomAD exomes 0.00004 and 0.00005.
gnomAD v4.1: 71 of 1,614,036 alleles (0.0044%); highest among the groups gnomAD compares: South Asian, 0.0099%; no homozygotes.

Submissions (3):

Ambry Genetics
Classification: Likely benign for Inborn genetic diseases. Last evaluated: 2025-12-09. Review status: criteria provided, single submitter. Criteria: Ambry Variant Classification Scheme 2023. Collection method: clinical testing. Allele origin: germline.

Labcorp Genetics (formerly Invitae), Labcorp
Classification: Uncertain significance for Transcobalamin II deficiency. Last evaluated: 2022-09-07. Review status: criteria provided, single submitter. Criteria: Invitae Variant Classification Sherloc (09022015). Collection method: clinical testing. Allele origin: germline.
Comment: This sequence change replaces arginine, which is basic and polar, with glutamine, which is neutral and polar, at codon 215 of the TCN2 protein (p.Arg215Gln). This variant is present in population databases (rs760721315, gnomAD 0.01%). This variant has not been reported in the literature in individuals affected with TCN2-related conditions. ClinVar contains an entry for this variant (Variation ID: 341201). Algorithms developed to predict the effect of missense changes on protein structure and function output the following: SIFT: "Tolerated"; PolyPhen-2: "Benign"; Align-GVGD: "Class C0". The glutamine amino acid residue is found in multiple mammalian species, which suggests that this missense change does not adversely affect protein function. Algorithms developed to predict the effect of sequence changes on RNA splicing suggest that this variant may create or strengthen a splice site. In summary, the available evidence is currently insufficient to determine the role of this variant in disease. Therefore, it has been classified as a Variant of Uncertain Significance.

Illumina Laboratory Services, Illumina
Classification: Uncertain significance for Transcobalamin II deficiency. Last evaluated: 2018-01-13. Review status: criteria provided, single submitter. Criteria: ICSL Variant Classification Criteria 13 December 2019. Collection method: clinical testing. Allele origin: germline.

NM_000355.4(TCN2):c.644G>A (p.Arg215Gln)

Gene: TCN2 (transcobalamin 2; plus strand). Cytogenetic location: 22q12.2.
Variant type: single nucleotide variant.
Coding change: c.644G>A on transcript NM_000355.4 (MANE Select); coding-DNA position 644, G replaced by A.
Protein change: p.Arg215Gln; replaces arginine 215 with glutamine.
Molecular consequence: missense variant.
Genome position (GRCh38, 1-based): chr22:30,615,364, G>A. VCF-style: chr22-30615364-G-A. GRCh37 (hg19) VCF-style: chr22-31011351-G-A.
Other names: c.563G>A, p.Arg188Gln (NM_001184726.2); short protein forms R215Q, R188Q.
Identifiers: ClinVar variation 341201 (VCV000341201.7), dbSNP rs760721315, ClinGen allele CA10184764.